The following is an entry in ClinVar:

ClinVar aggregate classification (germline): Likely benign. Review status: criteria provided, multiple submitters, no conflicts (2 of 4 stars). 2 submissions from 2 submitters: Likely benign (2). Last evaluated 2026-01-18.

Conditions:
Neuromuscular disease caused by qualitative or quantitative defects of dysferlin. Also called: Dysferlinopathy; Qualitative or quantitative defects of dysferlin. Identifiers: Orphanet 207073, MedGen C2931687, MONDO:0016145.

Allele frequency attached by ClinVar (database versions not stated): gnomAD 0.00001 and 0.00003; gnomAD exomes 0.00002 and 0.00005; ExAC 0.00010; 1000 Genomes Project 30x 0.00031; 1000 Genomes Project 0.00040.
gnomAD v4.1: 33 of 1,509,736 alleles (0.0022%); highest among the groups gnomAD compares: South Asian, 0.018%; no homozygotes.

Submissions (2):

Labcorp Genetics (formerly Invitae), Labcorp
Classification: Likely benign for Neuromuscular disease caused by qualitative or quantitative defects of dysferlin. Last evaluated: 2026-01-18. Review status: criteria provided, single submitter. Criteria: Invitae Variant Classification Sherloc (09022015). Collection method: clinical testing. Allele origin: germline.

GeneDx
Classification: Likely benign. Last evaluated: 2016-07-20. Review status: criteria provided, single submitter. Criteria: GeneDx Variant Classification (06012015). Collection method: clinical testing. Allele origin: germline. Affected: yes.
Comment: This variant is considered likely benign or benign based on one or more of the following criteria: it is a conservative change, it occurs at a poorly conserved position in the protein, it is predicted to be benign by multiple in silico algorithms, and/or has population frequency not consistent with disease.

NM_001130987.2(DYSF):c.346-16G>A

Gene: DYSF (dysferlin; plus strand). Cytogenetic location: 2p13.2.
Variant type: single nucleotide variant.
Coding change: c.346-16G>A on transcript NM_001130987.2 (MANE Select); 16 bases into the intron before coding-DNA position 346, G replaced by A.
Molecular consequence: intron variant.
Genome position (GRCh38, 1-based): chr2:71,511,791, G>A. VCF-style: chr2-71511791-G-A. GRCh37 (hg19) VCF-style: chr2-71738921-G-A.
Other names: c.343-16G>A (NM_001130979.2, NM_001130981.2, NM_001130980.2 and 4 more transcripts); c.346-16G>A (NM_001130982.2, NM_001130985.2, NM_001130983.2 and 3 more transcripts).
Identifiers: ClinVar variation 387491 (VCV000387491.4), dbSNP rs576372858, ClinGen allele CA1705337.